The following is an entry in ClinVar:

NM_001845.6(COL4A1):c.2003T>C (p.Phe668Ser)

Gene: COL4A1 (collagen type IV alpha 1 chain; minus strand). Cytogenetic location: 13q34.
Variant type: single nucleotide variant.
Coding change: c.2003T>C on transcript NM_001845.6 (MANE Select); coding-DNA position 2003, T replaced by C.
Protein change: p.Phe668Ser; replaces phenylalanine 668 with serine.
Molecular consequence: missense variant.
Genome position (GRCh38, 1-based): chr13:110,183,085, A>G on the plus strand (T>C on the coding strand, the complement: COL4A1 is on the minus strand). VCF-style: chr13-110183085-A-G. GRCh37 (hg19) VCF-style: chr13-110835432-A-G.
Other names: short protein forms F668S.
Identifiers: ClinVar variation 3900574 (VCV003900574.2).

ClinVar aggregate classification (germline): Uncertain significance. Review status: criteria provided, multiple submitters, no conflicts (2 of 4 stars). 2 submissions from 2 submitters: Uncertain significance (2). Last evaluated 2025-06-14.

gnomAD v4.1: 13 of 1,612,906 alleles (0.00081%); highest among the groups gnomAD compares: Non-Finnish European, 0.00093%; no homozygotes.

Submissions (2):

Labcorp Genetics (formerly Invitae), Labcorp
Classification: Uncertain significance. Last evaluated: 2025-06-14. Review status: criteria provided, single submitter. Criteria: Invitae Variant Classification Sherloc (09022015). Collection method: clinical testing. Allele origin: germline.
Comment: This sequence change replaces phenylalanine, which is neutral and non-polar, with serine, which is neutral and polar, at codon 668 of the COL4A1 protein (p.Phe668Ser). This variant is present in population databases (no rsID available, gnomAD 0.007%). This variant has not been reported in the literature in individuals affected with COL4A1-related conditions. Invitae Evidence Modeling of protein sequence and biophysical properties (such as structural, functional, and spatial information, amino acid conservation, physicochemical variation, residue mobility, and thermodynamic stability) indicates that this missense variant is not expected to disrupt COL4A1 protein function with a negative predictive value of 95%. In summary, the available evidence is currently insufficient to determine the role of this variant in disease. Therefore, it has been classified as a Variant of Uncertain Significance.

GeneDx
Classification: Uncertain significance. Last evaluated: 2024-11-20. Review status: criteria provided, single submitter. Criteria: GeneDx Variant Classification Process June 2021. Collection method: clinical testing. Allele origin: germline. Affected: yes.
Comment: In silico analysis indicates that this missense variant does not alter protein structure/function; Has not been previously published as pathogenic or benign to our knowledge